The following is an entry in ClinVar:

NM_006231.4(POLE):c.1794+3dup

Gene: POLE (DNA polymerase epsilon, catalytic subunit; minus strand). Cytogenetic location: 12q24.33.
Variant type: Duplication.
Coding change: c.1794+3dup on transcript NM_006231.4 (MANE Select); 3 bases into the intron after coding-DNA position 1794, one base duplicated (A; older notation c.1794+3dupA).
Molecular consequence: intron variant.
Genome position (GRCh38, 1-based): chr12:132,672,211, T duplicated on the plus strand (A on the coding strand, the reverse complement: POLE is on the minus strand); the first of 2 consecutive T bases (chr12:132,672,211-132,672,212); duplicating either gives the same sequence. VCF-style (leftmost placement, unchanged base first): chr12-132672210-G-GT. GRCh37 (hg19) VCF-style: chr12-133248796-G-GT.
Other names: c.1794+4dupA (NM_006231.3).
Identifiers: ClinVar variation 643032 (VCV000643032.6), dbSNP rs1593069205, ClinGen allele CA915946751.

ClinVar aggregate classification (germline): Uncertain significance (1 of 4 stars; one submission).

Submission:

Labcorp Genetics (formerly Invitae), Labcorp
Classification: Uncertain significance. Last evaluated: 2018-12-01. Review status: criteria provided, single submitter. Criteria: Invitae Variant Classification Sherloc (09022015). Collection method: clinical testing. Allele origin: germline.
Comment: This sequence change falls in intron 16 of the POLE gene. It does not directly change the encoded amino acid sequence of the POLE protein, but it affects a nucleotide within the consensus splice site of the intron. This variant is not present in population databases (ExAC no frequency). This variant has not been reported in the literature in individuals with POLE-related conditions. Nucleotide substitutions within the consensus splice site are a relatively common cause of aberrant splicing (PMID: 17576681, 9536098). Algorithms developed to predict the effect of sequence changes on RNA splicing suggest that this variant may disrupt the consensus splice site, but this prediction has not been confirmed by published transcriptional studies. In summary, the available evidence is currently insufficient to determine the role of this variant in disease. Therefore, it has been classified as a Variant of Uncertain Significance.

Literature cited by the submitters: PubMed 17576681; PubMed 9536098.